The following is an entry in ClinVar:

NM_000156.6(GAMT):c.320C>T (p.Thr107Ile)

Gene: GAMT (guanidinoacetate N-methyltransferase; minus strand). Cytogenetic location: 19p13.3.
Variant type: single nucleotide variant.
Coding change: c.320C>T on transcript NM_000156.6 (MANE Select); coding-DNA position 320, C replaced by T.
Protein change: p.Thr107Ile; replaces threonine 107 with isoleucine.
Molecular consequence: missense variant.
Genome position (GRCh38, 1-based): chr19:1,399,800, G>A on the plus strand (C>T on the coding strand, the complement: GAMT is on the minus strand). VCF-style: chr19-1399800-G-A. GRCh37 (hg19) VCF-style: chr19-1399799-G-A.
Other names: c.320C>T, p.Thr107Ile (NM_138924.3); short protein forms T107I.
Identifiers: ClinVar variation 1308335 (VCV001308335.2), dbSNP rs866376854, ClinGen allele CA402996088.

ClinVar aggregate classification (germline): Uncertain significance (1 of 4 stars; one submission).

Allele frequency attached by ClinVar (database versions not stated): gnomAD exomes below 0.00001; TOPMed below 0.00001.
gnomAD v4.1: 1 of 1,566,058 alleles (0.000064%); highest among the groups gnomAD compares: Non-Finnish European, 0.000086%; no homozygotes.

Submission:

GeneDx
Classification: Uncertain significance. Last evaluated: 2019-03-27. Review status: criteria provided, single submitter. Criteria: GeneDx Variant Classification Process June 2021. Collection method: clinical testing. Allele origin: germline. Affected: yes.
Comment: Not observed in large population cohorts (Lek et al., 2016); In silico analysis, which includes protein predictors and evolutionary conservation, supports that this variant does not alter protein structure/function; Has not been previously published as pathogenic or benign to our knowledge